The following is an entry in ClinVar:

NM_178822.5(IGSF10):c.1579C>T (p.Arg527Trp)

Gene: IGSF10 (immunoglobulin superfamily member 10; minus strand). Cytogenetic location: 3q25.1.
Variant type: single nucleotide variant.
Coding change: c.1579C>T on transcript NM_178822.5 (MANE Select); coding-DNA position 1579, C replaced by T.
Protein change: p.Arg527Trp; replaces arginine 527 with tryptophan.
Molecular consequence: missense variant.
Genome position (GRCh38, 1-based): chr3:151,448,402, G>A on the plus strand (C>T on the coding strand, the complement: IGSF10 is on the minus strand). VCF-style: chr3-151448402-G-A. GRCh37 (hg19) VCF-style: chr3-151166190-G-A.
Other names: c.1579C>T, p.Arg527Trp (NM_001385060.1, NM_001385061.1, NM_001385062.1 and 1 more transcripts); short protein forms R527W.
Identifiers: ClinVar variation 4705979 (VCV004705979.1).
Genomic context (GRCh38, chr3:151,448,402, plus strand): 5'-CTGTGTCAAAACTATCAGCCATCTGGAGTTCCAATTTTCCACTTTTGTCTATTAGGATCC[G>A]TCCATCCTCACTGACATAAGGGGCTCTCACTTTACTTCCATCAGCTAGAAGCCAATCCAC-3'
Protein context (NP_849144.2, residues 517-537): VRAPYVSEDG[Arg527Trp]ILIDKSGKLE

ClinVar aggregate classification (germline): Uncertain significance (1 of 4 stars; one submission).

gnomAD v4.1: 70 of 1,614,018 alleles (0.0043%); highest among the groups gnomAD compares: East Asian, 0.0089%; no homozygotes.

Submission:

Labcorp Genetics (formerly Invitae), Labcorp
Classification: Uncertain significance. Last evaluated: 2025-06-13. Review status: criteria provided, single submitter. Criteria: Invitae Variant Classification Sherloc (09022015). Collection method: clinical testing. Allele origin: germline.
Comment: This sequence change replaces arginine, which is basic and polar, with tryptophan, which is neutral and slightly polar, at codon 527 of the IGSF10 protein (p.Arg527Trp). This variant is present in population databases (rs372867906, gnomAD 0.02%). This variant has not been reported in the literature in individuals affected with IGSF10-related conditions. An algorithm developed to predict the effect of missense changes on protein structure and function (PolyPhen-2) suggests that this variant is likely to be disruptive. In summary, the available evidence is currently insufficient to determine the role of this variant in disease. Therefore, it has been classified as a Variant of Uncertain Significance.